The following is an entry in ClinVar:

ClinVar aggregate classification (germline): Uncertain significance. Review status: criteria provided, multiple submitters, no conflicts (2 of 4 stars). 2 submissions from 2 submitters: Uncertain significance (2). Last evaluated 2025-07-31.

Conditions:
Colorectal cancer, hereditary nonpolyposis, type 7. Identifiers: Orphanet 144, MedGen C1858380, MONDO:0013725, OMIM 614385.

Allele frequency attached by ClinVar (database versions not stated): TOPMed below 0.00001.

Submissions (2):

Labcorp Genetics (formerly Invitae), Labcorp
Classification: Uncertain significance for Colorectal cancer, hereditary nonpolyposis, type 7. Last evaluated: 2025-07-31. Review status: criteria provided, single submitter. Criteria: Invitae Variant Classification Sherloc (09022015). Collection method: clinical testing. Allele origin: germline.
Comment: This sequence change replaces valine, which is neutral and non-polar, with methionine, which is neutral and non-polar, at codon 1301 of the MLH3 protein (p.Val1301Met). This variant is not present in population databases (gnomAD no frequency). This variant has not been reported in the literature in individuals affected with MLH3-related conditions. ClinVar contains an entry for this variant (Variation ID: 2995233). An algorithm developed to predict the effect of missense changes on protein structure and function (PolyPhen-2) suggests that this variant is likely to be disruptive. In summary, the available evidence is currently insufficient to determine the role of this variant in disease. Therefore, it has been classified as a Variant of Uncertain Significance.

Ambry Genetics
Classification: Uncertain significance. Last evaluated: 2024-04-18. Review status: criteria provided, single submitter. Criteria: Ambry Variant Classification Scheme 2023. Collection method: clinical testing. Allele origin: germline.
Comment: The p.V1301M variant (also known as c.3901G>A), located in coding exon 8 of the MLH3 gene, results from a G to A substitution at nucleotide position 3901. The valine at codon 1301 is replaced by methionine, an amino acid with highly similar properties. This amino acid position is conserved. In addition, this alteration is predicted to be deleterious by in silico analysis. Based on the available evidence, the clinical significance of this variant remains unclear.

NM_001040108.2(MLH3):c.3901G>A (p.Val1301Met)

Gene: MLH3 (mutL homolog 3; minus strand). Cytogenetic location: 14q24.3.
Variant type: single nucleotide variant.
Coding change: c.3901G>A on transcript NM_001040108.2 (MANE Select); coding-DNA position 3901, G replaced by A.
Protein change: p.Val1301Met; replaces valine 1301 with methionine.
Molecular consequence: missense variant.
Genome position (GRCh38, 1-based): chr14:75,030,629, C>T on the plus strand (G>A on the coding strand, the complement: MLH3 is on the minus strand). VCF-style: chr14-75030629-C-T. GRCh37 (hg19) VCF-style: chr14-75497332-C-T.
Other names: c.3829G>A, p.Val1277Met (NM_014381.3); short protein forms V1301M, V1277M.
Identifiers: ClinVar variation 2995233 (VCV002995233.4), dbSNP rs1206585028, ClinGen allele CA390422840.